The following is an entry in ClinVar:

NM_000548.5(TSC2):c.3435G>T (p.Pro1145=)

Gene: TSC2 (TSC complex subunit 2; plus strand). Cytogenetic location: 16p13.3.
Variant type: single nucleotide variant.
Coding change: c.3435G>T on transcript NM_000548.5 (MANE Select); coding-DNA position 3435, G replaced by T.
Protein change: p.Pro1145=; no amino-acid change (proline 1145 retained).
Molecular consequence: synonymous variant.
Genome position (GRCh38, 1-based): chr16:2,080,202, G>T. VCF-style: chr16-2080202-G-T. GRCh37 (hg19) VCF-style: chr16-2130203-G-T.
Other names: c.3303G>T, p.Pro1101= (NM_001077183.3, NM_001370404.1); c.3435G>T, p.Pro1145= (NM_001114382.3); c.3195G>T, p.Pro1065= (NM_001318827.2); c.3159G>T, p.Pro1053= (NM_001318829.2); c.2703G>T, p.Pro901= (NM_001318831.2); c.3336G>T, p.Pro1112= (NM_001318832.2); c.3306G>T, p.Pro1102= (NM_001363528.2, NM_001370405.1, NM_021055.3).
Identifiers: ClinVar variation 795361 (VCV000795361.10), dbSNP rs749633483, ClinGen allele CA493042825.

ClinVar aggregate classification (germline): Benign/Likely benign. Review status: criteria provided, multiple submitters, no conflicts (2 of 4 stars). 2 submissions from 2 submitters: Benign (1); Likely benign (1). Last evaluated 2025-05-29.

Conditions:
Tuberous sclerosis 2 (TSC2). Identifiers: Orphanet 805, MedGen C1860707, MONDO:0013199, OMIM 613254.

Submissions (2):

Myriad Genetics, Inc.
Classification: Benign for Tuberous sclerosis 2. Last evaluated: 2025-05-29. Review status: criteria provided, single submitter. Criteria: Myriad Autosomal Dominant, Autosomal Recessive and X-Linked Classification Criteria (2023). Collection method: clinical testing. Allele origin: unknown.
Comment: This variant is considered benign. This variant is a silent/synonymous amino acid change and it is not expected to impact splicing.

Labcorp Genetics (formerly Invitae), Labcorp
Classification: Likely benign for Tuberous sclerosis 2. Last evaluated: 2018-11-15. Review status: criteria provided, single submitter. Criteria: Invitae Variant Classification Sherloc (09022015). Collection method: clinical testing. Allele origin: germline.